The following is an entry in ClinVar:

ClinVar aggregate classification (germline): Benign. Review status: criteria provided, multiple submitters, no conflicts (2 of 4 stars). 10 submissions from 9 submitters: Benign (9). 1 of the submissions does not count toward it. Last evaluated 2026-02-04.

Conditions:
Joubert syndrome 1 (JBTS1). Also called: Cerebellooculorenal syndrome 1; CEREBELLOPARENCHYMAL DISORDER IV. Identifiers: MedGen C4551568, MONDO:0008944, OMIM 213300.
MORM syndrome (MORMS). Identifiers: Orphanet 75858, MedGen C1857802, MONDO:0012423, OMIM 610156.
Joubert syndrome. Also called: Familial aplasia of the vermis; JOUBERT-BOLTSHAUSER SYNDROME. Identifiers: Orphanet 475, MedGen C5979921, MONDO:0018772.

Allele frequency attached by ClinVar (database versions not stated): ESP Exome Variant Server 0.10119; TOPMed 0.11638; 1000 Genomes Project 30x 0.11727; 1000 Genomes Project 0.12141.
gnomAD v4.1: 206,143 of 1,585,362 alleles (13%); highest among the groups gnomAD compares: Admixed American, 24%; 15,661 homozygotes.

Submissions (10):

Labcorp Genetics (formerly Invitae), Labcorp
Classification: Benign for Joubert syndrome. Last evaluated: 2026-02-04. Review status: criteria provided, single submitter. Criteria: Invitae Variant Classification Sherloc (09022015). Collection method: clinical testing. Allele origin: germline.

Blueprint Genetics
Classification: Benign. Last evaluated: 2024-11-27. Review status: criteria provided, single submitter. Criteria: ACMG Guidelines, 2015. Collection method: clinical testing. Allele origin: germline.

Mayo Clinic Laboratories, Mayo Clinic
Classification: Benign. Last evaluated: 2022-03-09. Review status: criteria provided, single submitter. Criteria: ACMG Guidelines, 2015. Collection method: clinical testing. Allele origin: germline. Observed: 17 variant alleles.

Genome-Nilou Lab
Classification: Benign for Joubert syndrome 1. Last evaluated: 2021-08-19. Review status: criteria provided, single submitter. Criteria: ACMG Guidelines, 2015. Collection method: clinical testing. Allele origin: germline. Affected: no.

Genome-Nilou Lab
Classification: Benign for MORM syndrome. Last evaluated: 2021-08-19. Review status: criteria provided, single submitter. Criteria: ACMG Guidelines, 2015. Collection method: clinical testing. Allele origin: germline. Affected: no.

Illumina Laboratory Services, Illumina
Classification: Benign for Joubert syndrome 1. Last evaluated: 2018-01-13. Review status: criteria provided, single submitter. Criteria: ICSL Variant Classification Criteria 13 December 2019. Collection method: clinical testing. Allele origin: germline.
Comment: This variant was observed in the ICSL laboratory as part of a predisposition screen in an ostensibly healthy population. It had not been previously curated by ICSL or reported in the Human Gene Mutation Database (HGMD: prior to June 1st, 2018), and was therefore a candidate for classification through an automated scoring system. Utilizing variant allele frequency, disease prevalence and penetrance estimates, and inheritance mode, an automated score was calculated to assess if this variant is too frequent to cause the disease. Based on the score and internal cut-off values, a variant classified as benign is not then subjected to further curation. The score for this variant resulted in a classification of benign for this disease.

GeneDx
Classification: Benign. Last evaluated: 2014-02-27. Review status: criteria provided, single submitter. Criteria: GeneDx Variant Classification (06012015). Collection method: clinical testing. Allele origin: germline. Affected: yes.
Comment: This variant is considered likely benign or benign based on one or more of the following criteria: it is a conservative change, it occurs at a poorly conserved position in the protein, it is predicted to be benign by multiple in silico algorithms, and/or has population frequency not consistent with disease.

Breakthrough Genomics
Classification: Benign. Review status: criteria provided, single submitter. Criteria: ACMG Guidelines, 2015. Collection method: not provided. Allele origin: germline. Inheritance: Autosomal recessive inheritance. Affected: yes.

PreventionGenetics, part of Exact Sciences
Classification: Benign. Review status: criteria provided, single submitter. Criteria: ACMG Guidelines, 2015. Collection method: clinical testing. Allele origin: germline.

Genetic Services Laboratory, University of Chicago
Classification: Likely benign for AllHighlyPenetrant. Review status: no assertion criteria provided. Collection method: clinical testing. Allele origin: germline. Inheritance: Autosomal recessive inheritance. Not counted in ClinVar's aggregate classification.
Comment: Likely benign based on allele frequency in 1000 Genomes Project or ESP global frequency and its presence in a patient with a rare or unrelated disease phenotype. NOT Sanger confirmed.

NM_019892.6(INPP5E):c.1521C>T (p.His507=)

Gene: INPP5E (inositol polyphosphate-5-phosphatase E; minus strand). Cytogenetic location: 9q34.3.
Variant type: single nucleotide variant.
Coding change: c.1521C>T on transcript NM_019892.6 (MANE Select); coding-DNA position 1521, C replaced by T.
Protein change: p.His507=; no amino-acid change (histidine 507 retained).
Molecular consequence: synonymous variant.
Genome position (GRCh38, 1-based): chr9:136,431,852, G>A on the plus strand (C>T on the coding strand, the complement: INPP5E is on the minus strand). VCF-style: chr9-136431852-G-A. GRCh37 (hg19) VCF-style: chr9-139326304-G-A.
Other names: p.H507H:CAC>CAT; p.His507=; c.1518C>T, p.His506= (NM_001318502.2).
Identifiers: ClinVar variation 129268 (VCV000129268.26), dbSNP rs10870188, ClinGen allele CA153160.